The following is an entry in ClinVar:

ClinVar aggregate classification (germline): Likely benign (0 of 4 stars; one submission).

Conditions:
DDX41-related disorder. Also called: DDX41-related condition.

Submission:

PreventionGenetics, part of Exact Sciences
Classification: Likely benign for DDX41-related condition. Last evaluated: 2022-04-18. Review status: no assertion criteria provided. Collection method: clinical testing. Allele origin: germline.
Comment: This variant is classified as likely benign based on ACMG/AMP sequence variant interpretation guidelines (Richards et al. 2015 PMID: 25741868, with internal and published modifications).

NM_016222.4(DDX41):c.28-10G>C

Gene: DDX41 (DEAD-box helicase 41; minus strand). Cytogenetic location: 5q35.3.
Variant type: single nucleotide variant.
Coding change: c.28-10G>C on transcript NM_016222.4 (MANE Select); 10 bases into the intron before coding-DNA position 28, G replaced by C.
Molecular consequence: intron variant.
Genome position (GRCh38, 1-based): chr5:177,516,845, C>G on the plus strand (G>C on the coding strand, the complement: DDX41 is on the minus strand). VCF-style: chr5-177516845-C-G. GRCh37 (hg19) VCF-style: chr5-176943846-C-G.
Other names: c.-420-10G>C (NM_001321830.2); c.-628-10G>C (NM_001321732.2).
Identifiers: ClinVar variation 3053360 (VCV003053360.2), dbSNP rs2532092006, ClinGen allele CA2740094194.
Genomic context (GRCh38, chr5:177,516,845, plus strand): 5'-TTCCGCCTCGGAGCGGCTTCCTCCGGCAGGCACCTCGTCGGTGCGAGCCCGCTGCAAGCA[C>G]ACGCCAGTCAGGCACGGCCTGCTCCCCTCTTCACGCCCGCTCCCACACGCGCGGGGTCTC-3'